The following is an entry in ClinVar:

ClinVar aggregate classification (germline): Uncertain significance (1 of 4 stars; one submission).

Submission:

Women's Health and Genetics/Laboratory Corporation of America, LabCorp
Classification: Uncertain significance. Last evaluated: 2026-04-14. Review status: criteria provided, single submitter. Criteria: LabCorp Variant Classification Summary - May 2015. Collection method: clinical testing. Allele origin: germline.
Comment: Variant summary: TYR c.923G>C (p.Arg308Thr) results in a non-conservative amino acid change in the encoded protein sequence. Algorithms developed to predict the effect of missense changes on protein structure and function all suggest that this variant is likely to be disruptive. The variant was absent in 251144 control chromosomes. c.923G>C has been observed in individuals affected with Oculocutaneous Albinism (Mondal_2016, Albinism database). These reports do not provide unequivocal conclusions about association of the variant with Oculocutaneous Albinism. At least one publication reports experimental evidence evaluating an impact on protein function and this variant reduced enzyme activity (Mondal_2016). The following publication have been ascertained in the context of this evaluation (PMID: 27537549). No submitters have cited clinical-significance assessments for this variant to ClinVar. Based on the evidence outlined above, the variant was classified as VUS-possibly pathogenic.

Literature cited by the submitters: PubMed 27537549.

NM_000372.5(TYR):c.923G>C (p.Arg308Thr)

Gene: TYR (tyrosinase; plus strand). Cytogenetic location: 11q14.3.
Variant type: single nucleotide variant.
Coding change: c.923G>C on transcript NM_000372.5 (MANE Select); coding-DNA position 923, G replaced by C.
Protein change: p.Arg308Thr; replaces arginine 308 with threonine.
Molecular consequence: missense variant.
Genome position (GRCh38, 1-based): chr11:89,191,305, G>C. VCF-style: chr11-89191305-G-C. GRCh37 (hg19) VCF-style: chr11-88924473-G-C.
Other names: short protein forms R308T.
Identifiers: ClinVar variation 4848577 (VCV004848577.1).
Genomic context (GRCh38, chr11:89,191,305, plus strand): 5'-TATGCAATGGAACGCCCGAGGGACCTTTACGGCGTAATCCTGGAAACCATGACAAATCCA[G>C]AACCCCAAGGCTCCCCTCTTCAGCTGATGTAGAATTTTGCCTGAGTTTGACCCAATATGA-3'
Protein context (NP_000363.1, residues 298-318): RRNPGNHDKS[Arg308Thr]TPRLPSSADV